The following is an entry in ClinVar:

ClinVar aggregate classification (germline): Likely benign (1 of 4 stars; one submission).

Allele frequency attached by ClinVar (database versions not stated): gnomAD 0.00001; gnomAD exomes 0.00001; TOPMed 0.00003.
gnomAD v4.1: 11 of 1,193,496 alleles (0.00092%); highest among the groups gnomAD compares: East Asian, 0.009%; no homozygotes.

Submission:

CeGaT Center for Human Genetics Tuebingen
Classification: Likely benign. Last evaluated: 2023-02-01. Review status: criteria provided, single submitter. Criteria: CeGaT Center For Human Genetics Tuebingen Variant Classification Criteria Version 2. Collection method: clinical testing. Allele origin: germline. Affected: yes. Observed: 1 variant allele.
Comment: GRIPAP1: BP4, BP7

NM_020137.5(GRIPAP1):c.939A>G (p.Leu313=)

Gene: GRIPAP1 (GRIP1 associated protein 1; minus strand). Cytogenetic location: Xp11.23.
Variant type: single nucleotide variant.
Coding change: c.939A>G on transcript NM_020137.5 (MANE Select); coding-DNA position 939, A replaced by G.
Protein change: p.Leu313=; no amino-acid change (leucine 313 retained).
Molecular consequence: synonymous variant.
Genome position (GRCh38, 1-based): chrX:48,988,130, T>C on the plus strand (A>G on the coding strand, the complement: GRIPAP1 is on the minus strand). VCF-style: chrX-48988130-T-C. GRCh37 (hg19) VCF-style: chrX-48844542-T-C.
Identifiers: ClinVar variation 2660497 (VCV002660497.24), dbSNP rs961180440, ClinGen allele CA329119032.
Genomic context (GRCh38, chrX:48,988,130, plus strand): 5'-GCTGCCCCCATCCTGAACCCCAGCTCCCTGAGCCCACGCAGTACAATATACCTGATCTTG[T>C]AGGGCCCGCAAAGCTGCTGCATGTTCCAGGCGCTCCCCCTGCCGCTGATCTCTCAGCTCT-3'
Protein context (NP_064522.4, residues 303-323): RLEHAAALRA[Leu313=]QDQVSIQSAD